The following is an entry in ClinVar:

ClinVar aggregate classification (germline): Conflicting classifications of pathogenicity. Review status: criteria provided, conflicting classifications (1 of 4 stars). 2 submissions from 2 submitters: Uncertain significance (1); Likely benign (1). Last evaluated 2025-11-10.

Conditions:
Tuberous sclerosis 2 (TSC2). Identifiers: Orphanet 805, MedGen C1860707, MONDO:0013199, OMIM 613254.

Allele frequency attached by ClinVar (database versions not stated): gnomAD 0.00001.

Submissions (2):

Labcorp Genetics (formerly Invitae), Labcorp
Classification: Uncertain significance for Tuberous sclerosis 2. Last evaluated: 2025-11-10. Review status: criteria provided, single submitter. Criteria: Invitae Variant Classification Sherloc (09022015). Collection method: clinical testing. Allele origin: germline.
Comment: This sequence change falls in intron 27 of the TSC2 gene. It does not directly change the encoded amino acid sequence of the TSC2 protein. This variant is not present in population databases (gnomAD no frequency). This variant has not been reported in the literature in individuals affected with TSC2-related conditions. ClinVar contains an entry for this variant (Variation ID: 1994667). Studies have shown that this variant is associated with inconclusive levels of altered splicing (internal data). In summary, the available evidence is currently insufficient to determine the role of this variant in disease. Therefore, it has been classified as a Variant of Uncertain Significance.

Myriad Genetics, Inc.
Classification: Likely benign for Tuberous sclerosis 2. Last evaluated: 2025-05-28. Review status: criteria provided, single submitter. Criteria: Myriad Autosomal Dominant, Autosomal Recessive and X-Linked Classification Criteria (2023). Collection method: clinical testing. Allele origin: unknown.
Comment: This variant is considered likely benign. This variant is intronic and is not expected to impact mRNA splicing.

NM_000548.5(TSC2):c.3132-11_3132-10del

Gene: TSC2 (TSC complex subunit 2; plus strand). Cytogenetic location: 16p13.3.
Variant type: Deletion.
Coding change: c.3132-11_3132-10del on transcript NM_000548.5 (MANE Select); 11 bases into the intron before coding-DNA position 3132 through 10 bases into the intron before coding-DNA position 3132, 2 bases deleted (CT; older notation c.3132-11_3132-10delCT).
Molecular consequence: intron variant.
Genome position (GRCh38, 1-based): chr16:2,079,265-2,079,266, CT deleted. VCF-style (leftmost placement, unchanged base first): chr16-2079264-CCT-C. GRCh37 (hg19) VCF-style: chr16-2129265-CCT-C.
Other names: c.3132-11_3132-10del (NM_001114382.3); c.3003-11_3003-10del (NM_021055.3, NM_001370405.1, NM_001363528.2); c.3000-11_3000-10del (NM_001370404.1, NM_001077183.3); c.2892-11_2892-10del (NM_001318827.2); c.2400-11_2400-10del (NM_001318831.2); c.2856-11_2856-10del (NM_001318829.2); c.3033-11_3033-10del (NM_001318832.2).
Identifiers: ClinVar variation 1994667 (VCV001994667.5), dbSNP rs2089819688, ClinGen allele CA973769397.